The following is an entry in ClinVar:

NM_000540.3(RYR1):c.8817-63A>G

Gene: RYR1 (ryanodine receptor 1; plus strand). Cytogenetic location: 19q13.2.
Variant type: single nucleotide variant.
Coding change: c.8817-63A>G on transcript NM_000540.3 (MANE Select); 63 bases into the intron before coding-DNA position 8817, A replaced by G.
Molecular consequence: intron variant.
Genome position (GRCh38, 1-based): chr19:38,507,649, A>G. VCF-style: chr19-38507649-A-G. GRCh37 (hg19) VCF-style: chr19-38998289-A-G.
Other names: c.8817-63A>G (NM_001042723.2).
Identifiers: ClinVar variation 677415 (VCV000677415.2), dbSNP rs35648526, ClinGen allele CA308119692.

ClinVar aggregate classification (germline): Benign. Review status: criteria provided, multiple submitters, no conflicts (2 of 4 stars). 2 submissions from 2 submitters: Benign (2). Last evaluated 2018-06-19.

Allele frequency attached by ClinVar (database versions not stated): 1000 Genomes Project 0.01677; 1000 Genomes Project 30x 0.01733; TOPMed 0.02611; gnomAD 0.03204 and 0.03282; gnomAD exomes 0.04052.
gnomAD v4.1: 41,875 of 1,070,232 alleles (3.9%); highest among the groups gnomAD compares: Non-Finnish European, 4.5%; 1,124 homozygotes.

Submissions (2):

GeneDx
Classification: Benign. Last evaluated: 2018-06-19. Review status: criteria provided, single submitter. Criteria: GeneDx Variant Classification (06012015). Collection method: clinical testing. Allele origin: germline. Affected: yes.
Comment: This variant is considered likely benign or benign based on one or more of the following criteria: it is a conservative change, it occurs at a poorly conserved position in the protein, it is predicted to be benign by multiple in silico algorithms, and/or has population frequency not consistent with disease.

Breakthrough Genomics
Classification: Benign. Review status: criteria provided, single submitter. Criteria: ACMG Guidelines, 2015. Collection method: not provided. Allele origin: germline. Inheritance: Autosomal recessive inheritance. Affected: yes.